The following is an entry in ClinVar:

NM_005247.4(FGF3):c.325-6C>T

Gene: FGF3 (fibroblast growth factor 3; minus strand). Cytogenetic location: 11q13.3.
Variant type: single nucleotide variant.
Coding change: c.325-6C>T on transcript NM_005247.4 (MANE Select); 6 bases into the intron before coding-DNA position 325, C replaced by T.
Molecular consequence: intron variant.
Genome position (GRCh38, 1-based): chr11:69,810,706, G>A on the plus strand (C>T on the coding strand, the complement: FGF3 is on the minus strand). VCF-style: chr11-69810706-G-A. GRCh37 (hg19) VCF-style: chr11-69625474-G-A.
Identifiers: ClinVar variation 4984263 (VCV004984263.1).

ClinVar aggregate classification (germline): Likely benign (1 of 4 stars; one submission).

Conditions:
FGF3-related disorder. Also called: FGF3-related condition.

gnomAD v4.1: 91 of 1,570,928 alleles (0.0058%); highest among the groups gnomAD compares: Admixed American, 0.15%; 1 homozygote.

Submission:

PreventionGenetics, part of Exact Sciences
Classification: Likely benign for FGF3-related condition. Last evaluated: 2025-06-09. Review status: criteria provided, single submitter. Criteria: ACMG Guidelines, 2015. Collection method: clinical testing. Allele origin: germline.
Comment: This variant is classified as likely benign based on ACMG/AMP sequence variant interpretation guidelines (Richards et al. 2015 PMID: 25741868, with internal and published modifications).